The following is an entry in ClinVar:

ClinVar aggregate classification (germline): Uncertain significance (1 of 4 stars; one submission).

Conditions:
Aortic aneurysm, familial thoracic 7 (AAT7). Also called: AORTIC DISSECTION, FAMILIAL, WITH OR WITHOUT AORTIC ANEURYSM. Identifiers: MedGen C3151077, MONDO:0013418, OMIM 613780.

gnomAD v4.1: 1 of 1,614,198 alleles (0.000062%); highest among the groups gnomAD compares: Admixed American, 0.0017%; no homozygotes.

Submission:

Labcorp Genetics (formerly Invitae), Labcorp
Classification: Uncertain significance for Aortic aneurysm, familial thoracic 7. Last evaluated: 2025-11-12. Review status: criteria provided, single submitter. Criteria: Invitae Variant Classification Sherloc (09022015). Collection method: clinical testing. Allele origin: germline.
Comment: This sequence change replaces glutamine, which is neutral and polar, with arginine, which is basic and polar, at codon 1392 of the MYLK protein (p.Gln1392Arg). This variant is present in population databases (no rsID available, gnomAD 0.003%). This variant has not been reported in the literature in individuals affected with MYLK-related conditions. Invitae Evidence Modeling of protein sequence and biophysical properties (such as structural, functional, and spatial information, amino acid conservation, physicochemical variation, residue mobility, and thermodynamic stability) indicates that this missense variant is not expected to disrupt MYLK protein function with a negative predictive value of 80%. In summary, the available evidence is currently insufficient to determine the role of this variant in disease. Therefore, it has been classified as a Variant of Uncertain Significance.

NM_053025.4(MYLK):c.4175A>G (p.Gln1392Arg)

Gene: MYLK (myosin light chain kinase; minus strand). Cytogenetic location: 3q21.1.
Variant type: single nucleotide variant.
Coding change: c.4175A>G on transcript NM_053025.4 (MANE Select); coding-DNA position 4175, A replaced by G.
Protein change: p.Gln1392Arg; replaces glutamine 1392 with arginine.
Molecular consequence: missense variant.
Genome position (GRCh38, 1-based): chr3:123,657,239, T>C on the plus strand (A>G on the coding strand, the complement: MYLK is on the minus strand). VCF-style: chr3-123657239-T-C. GRCh37 (hg19) VCF-style: chr3-123376086-T-C.
Other names: c.3647A>G, p.Gln1216Arg (NM_001321309.2); c.3968A>G, p.Gln1323Arg (NM_053026.4, NM_053028.4); c.4175A>G, p.Gln1392Arg (NM_053027.4); short protein forms Q1216R, Q1323R, Q1392R.
Identifiers: ClinVar variation 4762964 (VCV004762964.1).